The following is an entry in ClinVar:

ClinVar aggregate classification (germline): Uncertain significance (1 of 4 stars; one submission).

Conditions:
Diamond-Blackfan anemia. Also called: Blackfan Diamond syndrome; Aregenerative anemia chronic congenital; Red cell aplasia, pure hereditary; Congenital hypoplastic anemia; Aase syndrome. Identifiers: Orphanet 124, MedGen C1260899, MeSH D029503, MONDO:0015253, HP:0004810.

Submission:

Labcorp Genetics (formerly Invitae), Labcorp
Classification: Uncertain significance for Diamond-Blackfan anemia. Last evaluated: 2025-06-06. Review status: criteria provided, single submitter. Criteria: Invitae Variant Classification Sherloc (09022015). Collection method: clinical testing. Allele origin: germline.
Comment: This sequence change replaces glycine, which is neutral and non-polar, with serine, which is neutral and polar, at codon 135 of the RPL11 protein (p.Gly135Ser). This variant is not present in population databases (gnomAD no frequency). This variant has not been reported in the literature in individuals affected with RPL11-related conditions. An algorithm developed to predict the effect of missense changes on protein structure and function (PolyPhen-2) suggests that this variant is likely to be tolerated. In summary, the available evidence is currently insufficient to determine the role of this variant in disease. Therefore, it has been classified as a Variant of Uncertain Significance.

NM_000975.5(RPL11):c.403G>A (p.Gly135Ser)

Gene: RPL11 (ribosomal protein L11; plus strand). Cytogenetic location: 1p36.11.
Variant type: single nucleotide variant.
Coding change: c.403G>A on transcript NM_000975.5 (MANE Select); coding-DNA position 403, G replaced by A.
Protein change: p.Gly135Ser; replaces glycine 135 with serine.
Molecular consequence: missense variant.
Genome position (GRCh38, 1-based): chr1:23,695,804, G>A. VCF-style: chr1-23695804-G-A. GRCh37 (hg19) VCF-style: chr1-24022294-G-A.
Other names: c.400G>A, p.Gly134Ser (NM_001199802.1); short protein forms G134S, G135S.
Identifiers: ClinVar variation 4749519 (VCV004749519.1).